The following is an entry in ClinVar:

ClinVar aggregate classification (germline): Conflicting classifications of pathogenicity. Review status: criteria provided, conflicting classifications (1 of 4 stars). 6 submissions from 6 submitters: Uncertain significance (1); Likely benign (5). Last evaluated 2026-02-04.

Conditions:
Oto-palato-digital syndrome, type II (OPD2). Also called: Otopalatodigital Syndrome, Type II; Otopalatodigital Syndrome Type 2 (FLNA-OPD2); FACIOPALATOOSSEOUS SYNDROME; OPD II SYNDROME. Identifiers: Orphanet 669, Orphanet 90652, MedGen C1844696, MONDO:0010571, OMIM 304120.
Heterotopia, periventricular, X-linked dominant (PVNH1). Also called: PERIVENTRICULAR NODULAR HETEROTOPIA 4; HETEROTOPIA, PERIVENTRICULAR, 1; PERIVENTRICULAR NODULAR HETEROTOPIA 1; X-linked periventricular heterotopia. Identifiers: Orphanet 2149, Orphanet 82004, MedGen C1848213, MONDO:0010233, OMIM 300049.
Melnick-Needles syndrome (MNS). Also called: Melnick-Needles Syndrome (FLNA-MNS); MELNICK-NEEDLES OSTEODYSPLASTY; OSTEODYSPLASTY OF MELNICK AND NEEDLES. Identifiers: Orphanet 2484, MedGen C0025237, MONDO:0010650, OMIM 309350.
Frontometaphyseal dysplasia (FMD1). Identifiers: Orphanet 1826, MedGen C0265293, MONDO:0015942.
FLNA-related disorder.
Familial thoracic aortic aneurysm and aortic dissection (TAAD). Also called: Thoracic aortic aneurysms and dissections. Identifiers: Orphanet 91387, MedGen C4707243, MONDO:0019625.

Allele frequency attached by ClinVar (database versions not stated): gnomAD exomes 0.00001 and 0.00004; TOPMed 0.00003; gnomAD 0.00004 and 0.00005; ExAC 0.00006; 1000 Genomes Project 30x 0.00021; 1000 Genomes Project 0.00026.
gnomAD v4.1: 19 of 1,210,174 alleles (0.0016%); highest among the groups gnomAD compares: African/African-American, 0.019%; no homozygotes.

Submissions (6):

PreventionGenetics, part of Exact Sciences
Classification: Likely benign for FLNA-related condition. Last evaluated: 2026-02-04. Review status: criteria provided, single submitter. Criteria: ACMG Guidelines, 2015. Collection method: clinical testing. Allele origin: germline.
Comment: This variant is classified as likely benign based on ACMG/AMP sequence variant interpretation guidelines (Richards et al. 2015 PMID: 25741868, with internal and published modifications).

Labcorp Genetics (formerly Invitae), Labcorp
Classification: Likely benign for Oto-palato-digital syndrome, type II; Heterotopia, periventricular, X-linked dominant; Frontometaphyseal dysplasia; Melnick-Needles syndrome. Last evaluated: 2025-08-16. Review status: criteria provided, single submitter. Criteria: Invitae Variant Classification Sherloc (09022015). Collection method: clinical testing. Allele origin: germline.

Ambry Genetics
Classification: Likely benign for Familial thoracic aortic aneurysm and aortic dissection. Last evaluated: 2024-10-03. Review status: criteria provided, single submitter. Criteria: Ambry Variant Classification Scheme 2023. Collection method: clinical testing. Allele origin: germline.

New York Genome Center
Classification: Uncertain significance for Heterotopia, periventricular, X-linked dominant. Last evaluated: 2020-12-29. Review status: criteria provided, single submitter. Criteria: NYGC Assertion Criteria 2020. Collection method: clinical testing. Allele origin: inherited. Observed: 1 hemizygote. Study: CSER-NYCKidSeq.

ARUP Laboratories, Molecular Genetics and Genomics, ARUP Laboratories
Classification: Likely benign. Last evaluated: 2016-08-24. Review status: criteria provided, single submitter. Criteria: ARUP Molecular Germline Variant Investigation Process. Collection method: clinical testing. Allele origin: germline.

GeneDx
Classification: Likely benign. Last evaluated: 2014-06-20. Review status: criteria provided, single submitter. Criteria: GeneDx Variant Classification (06012015). Collection method: clinical testing. Allele origin: germline. Affected: yes.
Comment: This variant is considered likely benign or benign based on one or more of the following criteria: it is a conservative change, it occurs at a poorly conserved position in the protein, it is predicted to be benign by multiple in silico algorithms, and/or has population frequency not consistent with disease.

NM_001110556.2(FLNA):c.1768G>A (p.Val590Ile)

Gene: FLNA (filamin A; minus strand). Cytogenetic location: Xq28.
Variant type: single nucleotide variant.
Coding change: c.1768G>A on transcript NM_001110556.2 (MANE Select); coding-DNA position 1768, G replaced by A.
Protein change: p.Val590Ile; replaces valine 590 with isoleucine.
Molecular consequence: missense variant.
Genome position (GRCh38, 1-based): chrX:154,364,881, C>T on the plus strand (G>A on the coding strand, the complement: FLNA is on the minus strand). VCF-style: chrX-154364881-C-T. GRCh37 (hg19) VCF-style: chrX-153593249-C-T.
Other names: p.V590I:GTC>ATC; c.1768G>A, p.Val590Ile (NM_001456.4); c.1768G>A (NM_001110556.1); short protein forms V590I.
Identifiers: ClinVar variation 213437 (VCV000213437.20), dbSNP rs782776511, ClinGen allele CA323733.